The following is an entry in ClinVar:

ClinVar aggregate classification (germline): Uncertain significance. Review status: criteria provided, single submitter (1 of 4 stars). 2 submissions from 2 submitters: Uncertain significance (1). 1 of the submissions does not count toward it. Last evaluated 2022-07-12.

Conditions:
Glutaric acidemia type 2C.
Multiple acyl-CoA dehydrogenase deficiency (MADD). Also called: ETHYLMALONIC-ADIPICACIDURIA; GA II; Glutaric aciduria, type 2; Glutaric Acidemia type 2; Glutaric acidemia type II; GA 2. Identifiers: Orphanet 26791, MedGen C0268596, MONDO:0009282, OMIM 231680.

Allele frequency attached by ClinVar (database versions not stated): gnomAD exomes below 0.00001; gnomAD 0.00002 and 0.00003; TOPMed 0.00003.
gnomAD v4.1: 10 of 1,598,504 alleles (0.00063%); highest among the groups gnomAD compares: African/African-American, 0.012%; no homozygotes.

Submissions (2):

Labcorp Genetics (formerly Invitae), Labcorp
Classification: Uncertain significance for Multiple acyl-CoA dehydrogenase deficiency. Last evaluated: 2022-07-12. Review status: criteria provided, single submitter. Criteria: Invitae Variant Classification Sherloc (09022015). Collection method: clinical testing. Allele origin: germline.
Comment: This sequence change replaces alanine, which is neutral and non-polar, with threonine, which is neutral and polar, at codon 30 of the ETFDH protein (p.Ala30Thr). This variant is not present in population databases (gnomAD no frequency). This variant has not been reported in the literature in individuals affected with ETFDH-related conditions. ClinVar contains an entry for this variant (Variation ID: 947836). Advanced modeling of protein sequence and biophysical properties (such as structural, functional, and spatial information, amino acid conservation, physicochemical variation, residue mobility, and thermodynamic stability) performed at Invitae indicates that this missense variant is not expected to disrupt ETFDH protein function. In summary, the available evidence is currently insufficient to determine the role of this variant in disease. Therefore, it has been classified as a Variant of Uncertain Significance.

Natera, Inc.
Classification: Uncertain significance for Glutaric acidemia type 2C. Last evaluated: 2020-05-30. Review status: no assertion criteria provided. Collection method: clinical testing. Allele origin: germline. Not counted in ClinVar's aggregate classification.

NM_004453.4(ETFDH):c.88G>A (p.Ala30Thr)

Gene: ETFDH (electron transfer flavoprotein dehydrogenase; plus strand). Cytogenetic location: 4q32.1.
Variant type: single nucleotide variant.
Coding change: c.88G>A on transcript NM_004453.4 (MANE Select); coding-DNA position 88, G replaced by A.
Protein change: p.Ala30Thr; replaces alanine 30 with threonine.
Molecular consequence: missense variant. On other transcripts: intron variant (1).
Genome position (GRCh38, 1-based): chr4:158,680,520, G>A. VCF-style: chr4-158680520-G-A. GRCh37 (hg19) VCF-style: chr4-159601672-G-A.
Other names: c.35-1675G>A (NM_001281737.2); short protein forms A30T.
Identifiers: ClinVar variation 947836 (VCV000947836.4), dbSNP rs1340326448, ClinGen allele CA358573367.
Genomic context (GRCh38, chr4:158,680,520, plus strand): 5'-TGTGCAGCATATCAGTGCTTTCATGCCTTAAAAATTAAGAAAAATTATCTACCTCTATGT[G>A]CTACAAGATGGTCTTCAACTTCTACTGTGCCTCGAATTACTACCCATTATACTATTTATC-3'
Protein context (NP_004444.2, residues 20-40): KIKKNYLPLC[Ala30Thr]TRWSSTSTVP